The following is an entry in ClinVar:

ClinVar aggregate classification (germline): Uncertain significance (1 of 4 stars; one submission).

Conditions:
Dilated cardiomyopathy 1J (CMD1J). Also called: CARDIOMYOPATHY, DILATED, WITH SENSORINEURAL HEARING LOSS, AUTOSOMAL DOMINANT. Identifiers: Orphanet 217622, MedGen C1854368, MONDO:0011541, OMIM 605362.

Submission:

Labcorp Genetics (formerly Invitae), Labcorp
Classification: Uncertain significance for Dilated cardiomyopathy 1J. Last evaluated: 2023-10-23. Review status: criteria provided, single submitter. Criteria: Invitae Variant Classification Sherloc (09022015). Collection method: clinical testing. Allele origin: germline.
Comment: This sequence change replaces tyrosine, which is neutral and polar, with cysteine, which is neutral and slightly polar, at codon 449 of the EYA4 protein (p.Tyr449Cys). This variant is not present in population databases (gnomAD no frequency). This variant has not been reported in the literature in individuals affected with EYA4-related conditions. Advanced modeling of protein sequence and biophysical properties (such as structural, functional, and spatial information, amino acid conservation, physicochemical variation, residue mobility, and thermodynamic stability) performed at Invitae indicates that this missense variant is expected to disrupt EYA4 protein function. In summary, the available evidence is currently insufficient to determine the role of this variant in disease. Therefore, it has been classified as a Variant of Uncertain Significance.

NM_004100.5(EYA4):c.1346A>G (p.Tyr449Cys)

Genes: EYA4 (EYA transcriptional coactivator and phosphatase 4; plus strand), TARID (TCF21 antisense RNA inducing promoter demethylation; minus strand). Cytogenetic location: 6q23.2.
Variant type: single nucleotide variant.
Coding change: c.1346A>G on transcript NM_004100.5 (MANE Select); coding-DNA position 1346, A replaced by G.
Protein change: p.Tyr449Cys; replaces tyrosine 449 with cysteine.
Molecular consequence: missense variant.
Genome position (GRCh38, 1-based): chr6:133,512,883, A>G. VCF-style: chr6-133512883-A-G. GRCh37 (hg19) VCF-style: chr6-133834021-A-G.
Other names: c.1184A>G, p.Tyr395Cys (NM_001301012.2); c.1364A>G, p.Tyr455Cys (NM_001301013.2); c.1277A>G, p.Tyr426Cys (NM_001370458.1, NM_172103.4); c.1202A>G, p.Tyr401Cys (NM_001370459.1); c.1346A>G, p.Tyr449Cys (NM_172105.4); short protein forms Y401C, Y449C, Y455C, Y395C, Y426C.
Identifiers: ClinVar variation 2771157 (VCV002771157.3), dbSNP rs2535339162, ClinGen allele CA365714886.